The following is an entry in ClinVar:

NM_144997.7(FLCN):c.709G>A (p.Ala237Thr)

Gene: FLCN (folliculin; minus strand). Cytogenetic location: 17p11.2.
Variant type: single nucleotide variant.
Coding change: c.709G>A on transcript NM_144997.7 (MANE Select); coding-DNA position 709, G replaced by A.
Protein change: p.Ala237Thr; replaces alanine 237 with threonine.
Molecular consequence: missense variant.
Genome position (GRCh38, 1-based): chr17:17,222,571, C>T on the plus strand (G>A on the coding strand, the complement: FLCN is on the minus strand). VCF-style: chr17-17222571-C-T. GRCh37 (hg19) VCF-style: chr17-17125885-C-T.
Other names: c.763G>A, p.Ala255Thr (NM_001353229.2); c.709G>A, p.Ala237Thr (NM_001353230.2, NM_001353231.2, NM_144606.7); c.709G>A (LRG_325t1); short protein forms A255T, A237T.
Identifiers: ClinVar variation 659675 (VCV000659675.8), dbSNP rs1257705335, ClinGen allele CA398533954.

ClinVar aggregate classification (germline): Uncertain significance. Review status: criteria provided, multiple submitters, no conflicts (2 of 4 stars). 3 submissions from 3 submitters: Uncertain significance (3). Last evaluated 2025-10-13.

Conditions:
FLCN-related disorder. Also called: FLCN-related condition.
Hereditary cancer-predisposing syndrome. Also called: Tumor predisposition; Hereditary neoplastic syndrome; Hereditary Cancer Syndrome; Neoplastic Syndromes, Hereditary. Identifiers: Orphanet 140162, MedGen C0027672, MeSH D009386, MONDO:0015356.
Birt-Hogg-Dube syndrome. Also called: Birt Hogg Dubé syndrome. Identifiers: Orphanet 122, MedGen C0346010, MONDO:0800444.

Allele frequency attached by ClinVar (database versions not stated): gnomAD exomes below 0.00001 and 0.00001.
gnomAD v4.1: 3 of 1,614,230 alleles (0.00019%); highest among the groups gnomAD compares: East Asian, 0.0022%; no homozygotes.

Submissions (3):

PreventionGenetics, part of Exact Sciences
Classification: Uncertain significance for FLCN-related condition. Last evaluated: 2025-10-13. Review status: criteria provided, single submitter. Criteria: ACMG Guidelines, 2015. Collection method: clinical testing. Allele origin: germline.
Comment: The FLCN c.709G>A variant is predicted to result in the amino acid substitution p.Ala237Thr. To our knowledge, this variant has not been reported in the literature. This variant is reported in 0.0029% of alleles in individuals of Latino descent in gnomAD and is classified as a variant of uncertain significance in ClinVar (Variation ID: 659675). At this time, the clinical significance of this variant is uncertain due to the absence of conclusive functional and genetic evidence.

Ambry Genetics
Classification: Uncertain significance for Hereditary cancer-predisposing syndrome. Last evaluated: 2025-09-16. Review status: criteria provided, single submitter. Criteria: Ambry Variant Classification Scheme 2023. Collection method: clinical testing. Allele origin: germline.
Comment: The p.A237T variant (also known as c.709G>A), located in coding exon 4 of the FLCN gene, results from a G to A substitution at nucleotide position 709. The alanine at codon 237 is replaced by threonine, an amino acid with similar properties. This amino acid position is highly conserved in available vertebrate species. In addition, the in silico prediction for this alteration is inconclusive. Based on the available evidence, the clinical significance of this variant remains unclear.

Labcorp Genetics (formerly Invitae), Labcorp
Classification: Uncertain significance for Birt-Hogg-Dube syndrome. Last evaluated: 2024-10-13. Review status: criteria provided, single submitter. Criteria: Invitae Variant Classification Sherloc (09022015). Collection method: clinical testing. Allele origin: germline.
Comment: This sequence change replaces alanine, which is neutral and non-polar, with threonine, which is neutral and polar, at codon 237 of the FLCN protein (p.Ala237Thr). This variant is present in population databases (no rsID available, gnomAD 0.003%). This variant has not been reported in the literature in individuals affected with FLCN-related conditions. ClinVar contains an entry for this variant (Variation ID: 659675). Invitae Evidence Modeling of protein sequence and biophysical properties (such as structural, functional, and spatial information, amino acid conservation, physicochemical variation, residue mobility, and thermodynamic stability) indicates that this missense variant is not expected to disrupt FLCN protein function with a negative predictive value of 80%. In summary, the available evidence is currently insufficient to determine the role of this variant in disease. Therefore, it has been classified as a Variant of Uncertain Significance.